The following is an entry in ClinVar:

NM_025137.4(SPG11):c.2193C>G (p.Asp731Glu)

Gene: SPG11 (SPG11 vesicle trafficking associated, spatacsin; minus strand). Cytogenetic location: 15q21.1.
Variant type: single nucleotide variant.
Coding change: c.2193C>G on transcript NM_025137.4 (MANE Select); coding-DNA position 2193, C replaced by G.
Protein change: p.Asp731Glu; replaces aspartic acid 731 with glutamic acid.
Molecular consequence: missense variant.
Genome position (GRCh38, 1-based): chr15:44,626,382, G>C on the plus strand (C>G on the coding strand, the complement: SPG11 is on the minus strand). VCF-style: chr15-44626382-G-C. GRCh37 (hg19) VCF-style: chr15-44918580-G-C.
Other names: c.2193C>G, p.Asp731Glu (NM_001160227.2, NM_001411132.1); short protein forms D731E.
Identifiers: ClinVar variation 1899908 (VCV001899908.3), dbSNP rs773163805, ClinGen allele CA7535330.

ClinVar aggregate classification (germline): Uncertain significance (1 of 4 stars; one submission).

Conditions:
Hereditary spastic paraplegia 11. Also called: SPASTIC PARAPLEGIA, AUTOSOMAL RECESSIVE, COMPLICATED, WITH THIN CORPUS CALLOSUM; SPASTIC PARAPLEGIA, AUTOSOMAL RECESSIVE, WITH MENTAL IMPAIRMENT AND THIN CORPUS CALLOSUM; Spastic paraplegia, mental retardation and thin corpus callosum; Spastic Paraplegia 11; Nakamura Osame syndrome; Autosomal recessive hereditary spastic paraplegia, mental impairment, and thin corpus callosum. Identifiers: Orphanet 2822, MedGen C1858479, MONDO:0011445, OMIM 604360.

Allele frequency attached by ClinVar (database versions not stated): TOPMed below 0.00001; ExAC 0.00001; gnomAD 0.00001.
gnomAD v4.1: 1 of 1,613,076 alleles (0.000062%); highest among the groups gnomAD compares: African/African-American, 0.0013%; no homozygotes.

Submission:

Labcorp Genetics (formerly Invitae), Labcorp
Classification: Uncertain significance for Hereditary spastic paraplegia 11. Last evaluated: 2023-12-11. Review status: criteria provided, single submitter. Criteria: Invitae Variant Classification Sherloc (09022015). Collection method: clinical testing. Allele origin: germline.
Comment: This sequence change replaces aspartic acid, which is acidic and polar, with glutamic acid, which is acidic and polar, at codon 731 of the SPG11 protein (p.Asp731Glu). This variant is present in population databases (rs773163805, gnomAD 0.007%). This variant has not been reported in the literature in individuals affected with SPG11-related conditions. ClinVar contains an entry for this variant (Variation ID: 1899908). Advanced modeling of protein sequence and biophysical properties (such as structural, functional, and spatial information, amino acid conservation, physicochemical variation, residue mobility, and thermodynamic stability) performed at Invitae indicates that this missense variant is not expected to disrupt SPG11 protein function with a negative predictive value of 80%. In summary, the available evidence is currently insufficient to determine the role of this variant in disease. Therefore, it has been classified as a Variant of Uncertain Significance.